The following is an entry in ClinVar:

NM_001385641.1(SAMD11):c.1534_1536dup (p.Arg512dup)

Gene: SAMD11 (sterile alpha motif domain containing 11; plus strand). Cytogenetic location: 1p36.33.
Variant type: Duplication.
Coding change: c.1534_1536dup on transcript NM_001385641.1 (MANE Select); coding-DNA positions 1534 to 1536, 3 bases duplicated (CGG; older notation c.1534_1536dupCGG).
Protein change: p.Arg512dup; duplicates arginine 512.
Molecular consequence: inframe insertion.
Genome position (GRCh38, 1-based): chr1:942,469-942,471, CGG duplicated; duplicating any 3 consecutive bases within chr1:942,468-942,471 gives the same sequence; the c. name uses the placement nearest the transcript's 3' end. VCF-style (leftmost placement, unchanged base first): chr1-942467-T-TGCG. GRCh37 (hg19) VCF-style: chr1-877847-T-TGCG.
Other names: c.1537_1539dup, p.Arg513dup (NM_001385640.1); c.1045_1047dup, p.Arg349dup (NM_152486.4).
Identifiers: ClinVar variation 1378326 (VCV001378326.6), dbSNP rs1179386454, ClinGen allele CA740509070.
Genomic context (GRCh38, chr1:942,467, plus strand): 5'-CAGGCTACGGCTTCCTGCCCCCCGCGCAGGCGGAGATGTTCGCCTGGCAGCAGGAGCTCC[T>TGCG]GCGGAAGCAGAACCTGGCCCGGTAGGTGCGGGGAGGCGGGCGGGGCCGCGCGGCCCGGGA-3'

ClinVar aggregate classification (germline): Uncertain significance (1 of 4 stars; one submission).

Submission:

Labcorp Genetics (formerly Invitae), Labcorp
Classification: Uncertain significance. Last evaluated: 2022-08-09. Review status: criteria provided, single submitter. Criteria: Invitae Variant Classification Sherloc (09022015). Collection method: clinical testing. Allele origin: germline.
Comment: In summary, the available evidence is currently insufficient to determine the role of this variant in disease. Therefore, it has been classified as a Variant of Uncertain Significance. Experimental studies and prediction algorithms are not available or were not evaluated, and the functional significance of this variant is currently unknown. ClinVar contains an entry for this variant (Variation ID: 1378326). This variant has not been reported in the literature in individuals affected with SAMD11-related conditions. This variant is not present in population databases (gnomAD no frequency). This variant, c.1045_1047dup, results in the insertion of 1 amino acid(s) of the SAMD11 protein (p.Arg349dup), but otherwise preserves the integrity of the reading frame.